The following is an entry in ClinVar:

NM_000552.5(VWF):c.859G>A (p.Asp287Asn)

Gene: VWF (von Willebrand factor; minus strand). Cytogenetic location: 12p13.31.
Variant type: single nucleotide variant.
Coding change: c.859G>A on transcript NM_000552.5 (MANE Select); coding-DNA position 859, G replaced by A.
Protein change: p.Asp287Asn; replaces aspartic acid 287 with asparagine.
Molecular consequence: missense variant.
Genome position (GRCh38, 1-based): chr12:6,075,350, C>T on the plus strand (G>A on the coding strand, the complement: VWF is on the minus strand). VCF-style: chr12-6075350-C-T. GRCh37 (hg19) VCF-style: chr12-6184516-C-T.
Other names: short protein forms D287N.
Identifiers: ClinVar variation 3572187 (VCV003572187.1).

ClinVar aggregate classification (germline): Uncertain significance (1 of 4 stars; one submission).

gnomAD v4.1: 2 of 1,614,028 alleles (0.00012%); highest among the groups gnomAD compares: South Asian, 0.0022%; no homozygotes.

Submission:

Quest Diagnostics Nichols Institute San Juan Capistrano
Classification: Uncertain significance. Last evaluated: 2024-06-27. Review status: criteria provided, single submitter. Criteria: Quest Diagnostics criteria. Collection method: clinical testing. Allele origin: unknown.
Comment: The VWF c.859G>A (p.Asp287Asn) variant has not been reported in individuals with VWF-related conditions in the published literature. It also has not been reported in large, multi-ethnic general populations (Genome Aggregation Database). Analysis of this variant using bioinformatics tools for the prediction of the effect of amino acid changes on protein structure and function yielded predictions that this variant is benign. Based on the available information, we are unable to determine the clinical significance of this variant.